The following is an entry in ClinVar:

NM_001605.3(AARS1):c.2724T>A (p.Asn908Lys)

Gene: AARS1 (alanyl-tRNA synthetase 1; minus strand). Cytogenetic location: 16q22.1.
Variant type: single nucleotide variant.
Coding change: c.2724T>A on transcript NM_001605.3 (MANE Select); coding-DNA position 2724, T replaced by A.
Protein change: p.Asn908Lys; replaces asparagine 908 with lysine.
Molecular consequence: missense variant.
Genome position (GRCh38, 1-based): chr16:70,252,904, A>T on the plus strand (T>A on the coding strand, the complement: AARS1 is on the minus strand). VCF-style: chr16-70252904-A-T. GRCh37 (hg19) VCF-style: chr16-70286807-A-T.
Other names: short protein forms N908K.
Identifiers: ClinVar variation 2732614 (VCV002732614.3), dbSNP rs2152149449, ClinGen allele CA396554567.

ClinVar aggregate classification (germline): Uncertain significance (1 of 4 stars; one submission).

Conditions:
Charcot-Marie-Tooth disease type 2. Also called: Charcot-Marie-Tooth type 2. Identifiers: Orphanet 64746, MedGen C0270914, MONDO:0018993.

gnomAD v4.1: 1 of 1,614,198 alleles (0.000062%); highest among the groups gnomAD compares: Non-Finnish European, 0.000085%; no homozygotes.

Submission:

Labcorp Genetics (formerly Invitae), Labcorp
Classification: Uncertain significance for Charcot-Marie-Tooth disease type 2. Last evaluated: 2024-06-19. Review status: criteria provided, single submitter. Criteria: Invitae Variant Classification Sherloc (09022015). Collection method: clinical testing. Allele origin: germline.
Comment: This sequence change replaces asparagine, which is neutral and polar, with lysine, which is basic and polar, at codon 908 of the AARS1 protein (p.Asn908Lys). This variant is not present in population databases (gnomAD no frequency). This variant has not been reported in the literature in individuals affected with AARS1-related conditions. An algorithm developed to predict the effect of missense changes on protein structure and function (PolyPhen-2) suggests that this variant is likely to be tolerated. In summary, the available evidence is currently insufficient to determine the role of this variant in disease. Therefore, it has been classified as a Variant of Uncertain Significance.